The following is an entry in ClinVar:

NM_004646.4(NPHS1):c.2870T>A (p.Val957Glu)

Gene: NPHS1 (NPHS1 adhesion molecule, nephrin; minus strand). Cytogenetic location: 19q13.12.
Variant type: single nucleotide variant.
Coding change: c.2870T>A on transcript NM_004646.4 (MANE Select); coding-DNA position 2870, T replaced by A.
Protein change: p.Val957Glu; replaces valine 957 with glutamic acid.
Molecular consequence: missense variant.
Genome position (GRCh38, 1-based): chr19:35,839,553, A>T on the plus strand (T>A on the coding strand, the complement: NPHS1 is on the minus strand). VCF-style: chr19-35839553-A-T. GRCh37 (hg19) VCF-style: chr19-36330455-A-T.
Other names: short protein forms V957E.
Identifiers: ClinVar variation 931014 (VCV000931014.3), dbSNP rs763902818, ClinGen allele CA405386175.

ClinVar aggregate classification (germline): Likely pathogenic (1 of 4 stars; one submission).

Conditions:
Finnish congenital nephrotic syndrome (NPHS1). Also called: NEPHROTIC SYNDROME, TYPE 1. Identifiers: Orphanet 839, MedGen C0403399, MONDO:0009732, OMIM 256300.

Submission:

Centre for Mendelian Genomics, University Medical Centre Ljubljana
Classification: Likely pathogenic for Finnish congenital nephrotic syndrome. Last evaluated: 2016-01-01. Review status: criteria provided, single submitter. Criteria: ACMG Guidelines, 2015. Collection method: clinical testing. Allele origin: unknown. Affected: yes.
Comment: This variant was classified as: Likely pathogenic. The following ACMG criteria were applied in classifying this variant: PM2,PM5,PP2,PP3.